The following is an entry in ClinVar:

ClinVar aggregate classification (germline): Pathogenic (1 of 4 stars; one submission).

Conditions:
Walker-Warburg congenital muscular dystrophy. Also called: Muscular dystrophy-dystroglycanopathy, type A; Walker-Warburg syndrome. Identifiers: Orphanet 899, MedGen C0265221, MONDO:0000171.
Muscular dystrophy-dystroglycanopathy (congenital with impaired intellectual development), type B, 1. Also called: MUSCULAR DYSTROPHY, CONGENITAL, POMT1-RELATED; Muscular dystrophy-dystroglycanopathy (congenital with intellectual disability), type B1. Identifiers: MedGen C5436962, MONDO:0013159, OMIM 613155.
Autosomal recessive limb-girdle muscular dystrophy type 2K. Also called: MUSCULAR DYSTROPHY-DYSTROGLYCANOPATHY (LIMB-GIRDLE), TYPE C, 1; MUSCULAR DYSTROPHY, LIMB-GIRDLE, TYPE 2K. Identifiers: Orphanet 86812, MedGen C1836373, MONDO:0012248, OMIM 609308.

Submission:

Labcorp Genetics (formerly Invitae), Labcorp
Classification: Pathogenic for Muscular dystrophy-dystroglycanopathy (congenital with impaired intellectual development), type B, 1; Walker-Warburg congenital muscular dystrophy; Autosomal recessive limb-girdle muscular dystrophy type 2K. Last evaluated: 2023-12-24. Review status: criteria provided, single submitter. Criteria: Invitae Variant Classification Sherloc (09022015). Collection method: clinical testing. Allele origin: germline.
Comment: This sequence change creates a premature translational stop signal (p.Leu31Cysfs*25) in the POMT1 gene. It is expected to result in an absent or disrupted protein product. Loss-of-function variants in POMT1 are known to be pathogenic (PMID: 12369018, 15637732, 16575835). This variant is not present in population databases (gnomAD no frequency). This variant has not been reported in the literature in individuals affected with POMT1-related conditions. For these reasons, this variant has been classified as Pathogenic.

Literature cited by the submitters: PubMed 12369018; PubMed 15637732; PubMed 16575835.

NM_001077365.2(POMT1):c.91del (p.Leu31fs)

Gene: POMT1 (protein O-mannosyltransferase 1; plus strand). Cytogenetic location: 9q34.13.
Variant type: Deletion.
Coding change: c.91del on transcript NM_001077365.2 (MANE Select); coding-DNA position 91, one base deleted (C; older notation c.91delC).
Protein change: p.Leu31fs; shifts the reading frame from leucine 31.
Molecular consequence: frameshift variant. On other transcripts: 5 prime UTR variant (4), non-coding transcript variant (4), intron variant (10).
Genome position (GRCh38, 1-based): chr9:131,504,309, C deleted. VCF-style (leftmost placement, unchanged base first): chr9-131504308-GC-G. GRCh37 (hg19) VCF-style: chr9-134379695-GC-G.
Other names: c.91del, p.Leu31fs (NM_001136113.2, NM_001353193.2, NM_001353196.2 and 2 more transcripts); c.-154del (NM_001353195.2); c.-381del (NM_001353198.2); c.-103del (NM_001374692.1); c.-61del (NM_001374695.1); c.-41+996del (NM_001353194.2); c.-72+996del (NM_001374691.1); c.-41+1236del (NM_001374689.1, NM_001353197.2, NM_001077366.2 and 1 more transcripts); and 3 more; short protein forms L31fs.
Identifiers: ClinVar variation 2921432 (VCV002921432.3), dbSNP rs2539021872, ClinGen allele CA2740092863.